The following is an entry in ClinVar:

ClinVar aggregate classification (germline): Likely benign. Review status: criteria provided, multiple submitters, no conflicts (2 of 4 stars). 4 submissions from 4 submitters: Likely benign (4). Last evaluated 2026-07-09.

Conditions:
Charcot-Marie-Tooth disease type 2. Also called: Charcot-Marie-Tooth type 2. Identifiers: Orphanet 64746, MedGen C0270914, MONDO:0018993.
GARS1-related disorder. Also called: GARS1-related condition.

Allele frequency attached by ClinVar (database versions not stated): ExAC 0.00004; gnomAD exomes 0.00004 and 0.00007; TOPMed 0.00004; gnomAD 0.00005.
gnomAD v4.1: 91 of 1,265,080 alleles (0.0072%); highest among the groups gnomAD compares: Non-Finnish European, 0.0093%; no homozygotes.

Submissions (4):

PreventionGenetics, part of Exact Sciences
Classification: Likely benign for GARS1-related condition. Last evaluated: 2026-07-09. Review status: criteria provided, single submitter. Criteria: ACMG Guidelines, 2015. Collection method: clinical testing. Allele origin: germline.
Comment: This variant is classified as likely benign based on ACMG/AMP sequence variant interpretation guidelines (Richards et al. 2015 PMID: 25741868, with internal and published modifications).

Labcorp Genetics (formerly Invitae), Labcorp
Classification: Likely benign for Charcot-Marie-Tooth disease type 2. Last evaluated: 2025-09-15. Review status: criteria provided, single submitter. Criteria: Invitae Variant Classification Sherloc (09022015). Collection method: clinical testing. Allele origin: germline.

Blueprint Genetics
Classification: Likely benign. Last evaluated: 2024-03-12. Review status: criteria provided, single submitter. Criteria: ACMG Guidelines, 2015. Collection method: clinical testing. Allele origin: germline.

GeneDx
Classification: Likely benign. Last evaluated: 2017-09-26. Review status: criteria provided, single submitter. Criteria: GeneDx Variant Classification (06012015). Collection method: clinical testing. Allele origin: germline. Affected: yes.
Comment: This variant is considered likely benign or benign based on one or more of the following criteria: it is a conservative change, it occurs at a poorly conserved position in the protein, it is predicted to be benign by multiple in silico algorithms, and/or has population frequency not consistent with disease.

NM_002047.4(GARS1):c.325-9C>G

Gene: GARS1 (glycyl-tRNA synthetase 1; plus strand). Cytogenetic location: 7p14.3.
Variant type: single nucleotide variant.
Coding change: c.325-9C>G on transcript NM_002047.4 (MANE Select); 9 bases into the intron before coding-DNA position 325, C replaced by G.
Molecular consequence: intron variant.
Genome position (GRCh38, 1-based): chr7:30,599,938, C>G. VCF-style: chr7-30599938-C-G. GRCh37 (hg19) VCF-style: chr7-30639554-C-G.
Other names: c.325-9C>G (NM_002047.3, LRG_243t1); c.163-9C>G (NM_001316772.1).
Identifiers: ClinVar variation 511805 (VCV000511805.13), dbSNP rs770645408, ClinGen allele CA4205677.